The following is an entry in ClinVar:

NM_001204.7(BMPR2):c.1427T>G (p.Leu476Arg)

Gene: BMPR2 (bone morphogenetic protein receptor type 2; plus strand). Cytogenetic location: 2q33.2.
Variant type: single nucleotide variant.
Coding change: c.1427T>G on transcript NM_001204.7 (MANE Select); coding-DNA position 1427, T replaced by G.
Protein change: p.Leu476Arg; replaces leucine 476 with arginine.
Molecular consequence: missense variant.
Genome position (GRCh38, 1-based): chr2:202,552,729, T>G. VCF-style: chr2-202552729-T-G. GRCh37 (hg19) VCF-style: chr2-203417452-T-G.
Other names: c.1427T>G (LRG_712t1); short protein forms L476R.
Identifiers: ClinVar variation 387167 (VCV000387167.2), dbSNP rs1057522712, ClinGen allele CA16604019.
Genomic context (GRCh38, chr2:202,552,729, plus strand): 5'-TTTTTTTTTTTAAAGACACATGGTTTGACATGTACTTTGTCTTACAGGCAGTGAGGTCAC[T>G]CAAGGAGACAATCGAAGACTGTTGGGACCAGGATGCAGAGGCTCGGCTTACTGCACAGTG-3'
Protein context (NP_001195.2, residues 466-486): WKENSLAVRS[Leu476Arg]KETIEDCWDQ

ClinVar aggregate classification (germline): Uncertain significance (1 of 4 stars; one submission).

Submission:

GeneDx
Classification: Uncertain significance. Last evaluated: 2016-06-20. Review status: criteria provided, single submitter. Criteria: GeneDx Variant Classification (06012015). Collection method: clinical testing. Allele origin: germline. Affected: yes.
Comment: A novel variant of uncertain significance has been identified in the BMPR2 gene. The L476R variant has not been published as a pathogenic variant, nor has it been reported as a benign variant to our knowledge. This variant was not observed in approximately 6,500 individuals of European and African American ancestry in the NHLBI Exome Sequencing Project, indicating it is not a common benign variant in these populations. The L476R variant is a non-conservative amino acid substitution, which is likely to impact secondary protein structure as these residues differ in polarity, charge, size and/or other properties. This substitution occurs at a position that is conserved across species and in silico analysis predicts this variant is probably damaging to the protein structure/function. However, no missense variants in nearby residues have been reported in the Human Gene Mutation Database (Stenson et al., 2014). Furthermore, to our knowledge no studies for the L476R variant have been performed to determine the functional effect of this variant.Therefore, based on the currently available information, it is unclear whether this variant is pathogenic or benign.